The following is an entry in ClinVar:

ClinVar aggregate classification (germline): Pathogenic/Likely pathogenic. Review status: criteria provided, multiple submitters, no conflicts (2 of 4 stars). 5 submissions from 5 submitters: Pathogenic (3); Likely pathogenic (1). 1 of the submissions does not count toward it. Last evaluated 2026-03-27.

Conditions:
RYR2-related disorder. Also called: RYR2-related condition.
Long QT syndrome (LQTS). Identifiers: MedGen C0023976, MeSH D008133, MONDO:0002442. Disease mechanism: loss of function. Inheritance: Various modes of inheritance.
Catecholaminergic polymorphic ventricular tachycardia 1. Also called: RYR2-Related Catecholaminergic Polymorphic Ventricular Tachycardia; VENTRICULAR TACHYCARDIA, STRESS-INDUCED POLYMORPHIC 1; VENTRICULAR TACHYCARDIA, CATECHOLAMINERGIC POLYMORPHIC, 1, WITH OR WITHOUT ATRIAL DYSFUNCTION AND/OR DILATED CARDIOMYOPATHY. Identifiers: Orphanet 3286, MedGen C1631597, MONDO:0011484, OMIM 604772.

Submissions (5):

Center for Human Genetics and Genomic Medicine, Uniklinik Rwth Aachen
Classification: Likely pathogenic for Catecholaminergic polymorphic ventricular tachycardia 1. Last evaluated: 2026-03-27. Review status: criteria provided, single submitter. Criteria: ACMG Guidelines, 2015. Collection method: clinical testing. Allele origin: germline. Affected: yes.

PreventionGenetics, part of Exact Sciences
Classification: Pathogenic for RYR2-related condition. Last evaluated: 2025-04-11. Review status: criteria provided, single submitter. Criteria: ACMG Guidelines, 2015. Collection method: clinical testing. Allele origin: germline.
Comment: The RYR2 c.12272C>T variant is predicted to result in the amino acid substitution p.Ala4091Val. This variant has been reported in multiple unrelated individuals with autosomal dominant catecholaminergic polymorphic ventricular tachycardia (CPVT) (Hayashi et al. 2009. PubMed ID: 19398665; Table S3, Giudicessi et al. 2019. PubMed ID: 31112425; Gerber et al. 2020. PubMed ID: 32553227; Xu et al. 2024. PubMed ID: 38017672). It has also been observed de novo an individual with long QT syndrome (LQTS) (Shigemizu et al. 2015. PubMed ID: 26132555). This variant has not been reported in a large population database (gnomAD), indicating this variant is rare. A different missense substitution of the same amino acid (p.Ala4091Thr) has also been reported in multiple individuals with CPVT (Hayashi et al. 2009. PubMed ID: 19398665; Lawrenz et al. 2014. PubMed ID: 23985380; Gerber et al. 2020. PubMed ID: 32553227). Additionally, the p.Ala4091 residue is located within a region of the RYR2 protein (residues 3778-4201) characterized as one of the hotspots for CPVT-associated variants (Xiao et al. 2016. PubMedID: 27733687). Taken together, the p.Ala4091Val variant is interpreted as pathogenic.

Labcorp Genetics (formerly Invitae), Labcorp
Classification: Pathogenic for Catecholaminergic polymorphic ventricular tachycardia 1. Last evaluated: 2024-02-03. Review status: criteria provided, single submitter. Criteria: Invitae Variant Classification Sherloc (09022015). Collection method: clinical testing. Allele origin: germline.
Comment: This sequence change replaces alanine, which is neutral and non-polar, with valine, which is neutral and non-polar, at codon 4091 of the RYR2 protein (p.Ala4091Val). This variant is not present in population databases (gnomAD no frequency). This missense change has been observed in individuals with clinical features of autosomal dominant catecholaminergic polymorphic ventricular tachycardia (PMID: 19398665, 26256814, 31112425). ClinVar contains an entry for this variant (Variation ID: 201325). Advanced modeling of protein sequence and biophysical properties (such as structural, functional, and spatial information, amino acid conservation, physicochemical variation, residue mobility, and thermodynamic stability) performed at Invitae indicates that this missense variant is expected to disrupt RYR2 protein function with a positive predictive value of 95%. For these reasons, this variant has been classified as Pathogenic.

GeneDx
Classification: Pathogenic. Last evaluated: 2022-08-19. Review status: criteria provided, single submitter. Criteria: GeneDx Variant Classification Process June 2021. Collection method: clinical testing. Allele origin: germline. Affected: yes.
Comment: Has been reported in individuals with CPVT seen at GeneDx and in published literature (Hayashi et al., 2009; Jabbari et al., 2013; Guidicessi et al., 2019; Gerber et al., 2020); Not observed at significant frequency in large population cohorts (gnomAD); Located in one of the three hot-spot regions of the RYR2 gene, where the majority of pathogenic missense variants occur (PMID: 19632629); In silico analysis supports that this missense variant has a deleterious effect on protein structure/function; This variant is associated with the following publications: (PMID: 24025405, 19398665, 26256814, 26132555, 31112425, 19632629, 32553227)

Medical Research Institute, Tokyo Medical and Dental University
Classification: Uncertain significance for Long QT syndrome. Review status: no assertion criteria provided. Collection method: research. Allele origin: germline. Affected: yes. Not counted in ClinVar's aggregate classification.

Literature cited by the submitters: PubMed 19398665 (cited by Labcorp Genetics (formerly Invitae), Labcorp); PubMed 26256814 (cited by Labcorp Genetics (formerly Invitae), Labcorp); PubMed 31112425 (cited by Labcorp Genetics (formerly Invitae), Labcorp); PubMed 26132555 (cited by Medical Research Institute, Tokyo Medical and Dental University).

NM_001035.3(RYR2):c.12272C>T (p.Ala4091Val)

Gene: RYR2 (ryanodine receptor 2; plus strand). Cytogenetic location: 1q43.
Variant type: single nucleotide variant.
Coding change: c.12272C>T on transcript NM_001035.3 (MANE Select); coding-DNA position 12272, C replaced by T.
Protein change: p.Ala4091Val; replaces alanine 4091 with valine.
Molecular consequence: missense variant.
Genome position (GRCh38, 1-based): chr1:237,783,984, C>T. VCF-style: chr1-237783984-C-T. GRCh37 (hg19) VCF-style: chr1-237947284-C-T.
Other names: p.A4091V:GCG>GTG; c.12272C>T, p.Ala4091Val (LRG_402t1); short protein forms A4091V.
Identifiers: ClinVar variation 201325 (VCV000201325.10), dbSNP rs794728783, ClinGen allele CA007418.
Genomic context (GRCh38, chr1:237,783,984, plus strand): 5'-AGACGGATGAGAATGAAACCCTCGACTACGAAGAGTTCGTCAAACGCTTCCACGAACCTG[C>T]GAAGGACATCGGCTTCAACGTCGCCGTCCTTCTGACAAACCTCTCTGAGCACATGCCCAA-3'
Protein context (NP_001026.2, residues 4081-4101): EEFVKRFHEP[Ala4091Val]KDIGFNVAVL